The following is an entry in ClinVar:

NM_001083962.2(TCF4):c.1351G>A (p.Val451Met)

Genes: TCF4 (transcription factor 4; minus strand), LOC121627832 (Sharpr-MPRA regulatory region 5538; plus strand). Cytogenetic location: 18q21.2.
Variant type: single nucleotide variant.
Coding change: c.1351G>A on transcript NM_001083962.2 (MANE Select); coding-DNA position 1351, G replaced by A.
Protein change: p.Val451Met; replaces valine 451 with methionine.
Molecular consequence: missense variant.
Genome position (GRCh38, 1-based): chr18:55,234,683, C>T on the plus strand (G>A on the coding strand, the complement: TCF4 is on the minus strand). VCF-style: chr18-55234683-C-T. GRCh37 (hg19) VCF-style: chr18-52901914-C-T.
Other names: c.1657G>A, p.Val553Met (NM_001243226.3); c.1279G>A, p.Val427Met (NM_001243227.2, NM_001306207.1, NM_001369575.1 and 5 more transcripts); c.1369G>A, p.Val457Met (NM_001243228.2); c.1342G>A, p.Val448Met (NM_001243230.2); c.1225G>A, p.Val409Met (NM_001243231.2, NM_001348211.2); c.1138G>A, p.Val380Met (NM_001243232.1, NM_001306208.1); c.961G>A, p.Val321Met (NM_001243233.2, NM_001330605.3, NM_001348212.2 and 1 more transcripts); c.871G>A, p.Val291Met (NM_001243234.2, NM_001243235.2, NM_001243236.2 and 1 more transcripts); and 6 more; short protein forms V450M, V457M, V290M, V380M, V409M, V553M, V235M, V291M.
Identifiers: ClinVar variation 845404 (VCV000845404.10), dbSNP rs2048852348, ClinGen allele CA402532154.
Genomic context (GRCh38, chr18:55,234,683, plus strand): 5'-GGTTTGGCAGAAGAGAATGGCTGCCTCTCAGGGCCACGCCATCTTCACGATGGGTCCCCA[C>T]CTGAAAGGGCGAGAGGAACCAGAGAGGTGAGCAGGAACCGGAGGTGCGACAGCTATTTCC-3'
Protein context (NP_001077431.1, residues 441-461): LLSANRHSLM[Val451Met]GTHREDGVAL

ClinVar aggregate classification (germline): Uncertain significance. Review status: criteria provided, multiple submitters, no conflicts (2 of 4 stars). 2 submissions from 2 submitters: Uncertain significance (2). Last evaluated 2024-10-19.

Conditions:
Inborn genetic diseases. Identifiers: MedGen C0950123, MeSH D030342.
Pitt-Hopkins syndrome (PTHS). Also called: MENTAL RETARDATION, SYNDROMAL, WITH INTERMITTENT HYPERVENTILATION; ENCEPHALOPATHY, SEVERE EPILEPTIC, WITH AUTONOMIC DYSFUNCTION. Identifiers: Orphanet 2896, MedGen C1970431, MONDO:0012589, OMIM 610954.

Allele frequency attached by ClinVar (database versions not stated): gnomAD exomes below 0.00001.
gnomAD v4.1: 6 of 1,614,088 alleles (0.00037%); highest among the groups gnomAD compares: East Asian, 0.0022%; no homozygotes.

Submissions (2):

Ambry Genetics
Classification: Uncertain significance for Inborn genetic diseases. Last evaluated: 2024-10-19. Review status: criteria provided, single submitter. Criteria: Ambry Variant Classification Scheme 2023. Collection method: clinical testing. Allele origin: germline.

Labcorp Genetics (formerly Invitae), Labcorp
Classification: Uncertain significance for Pitt-Hopkins syndrome. Last evaluated: 2022-08-23. Review status: criteria provided, single submitter. Criteria: Invitae Variant Classification Sherloc (09022015). Collection method: clinical testing. Allele origin: germline.
Comment: In summary, the available evidence is currently insufficient to determine the role of this variant in disease. Therefore, it has been classified as a Variant of Uncertain Significance. Algorithms developed to predict the effect of missense changes on protein structure and function are either unavailable or do not agree on the potential impact of this missense change (SIFT: "Deleterious"; PolyPhen-2: "Possibly Damaging"; Align-GVGD: "Class C0"). ClinVar contains an entry for this variant (Variation ID: 845404). This variant has not been reported in the literature in individuals affected with TCF4-related conditions. This variant is not present in population databases (gnomAD no frequency). This sequence change replaces valine, which is neutral and non-polar, with methionine, which is neutral and non-polar, at codon 451 of the TCF4 protein (p.Val451Met).